The following is an entry in ClinVar:

NM_001759.4(CCND2):c.775C>T (p.Gln259Ter)

Gene: CCND2 (cyclin D2; plus strand). Cytogenetic location: 12p13.32.
Variant type: single nucleotide variant.
Coding change: c.775C>T on transcript NM_001759.4 (MANE Select); coding-DNA position 775, C replaced by T.
Protein change: p.Gln259Ter; replaces glutamine 259 with a stop codon.
Molecular consequence: nonsense.
Genome position (GRCh38, 1-based): chr12:4,299,914, C>T. VCF-style: chr12-4299914-C-T. GRCh37 (hg19) VCF-style: chr12-4409080-C-T.
Other names: short protein forms Q259*.
Identifiers: ClinVar variation 2867085 (VCV002867085.3), dbSNP rs2120593241, ClinGen allele CA383413599.

ClinVar aggregate classification (germline): Uncertain significance (1 of 4 stars; one submission).

Submission:

Labcorp Genetics (formerly Invitae), Labcorp
Classification: Uncertain significance. Last evaluated: 2023-06-14. Review status: criteria provided, single submitter. Criteria: Invitae Variant Classification Sherloc (09022015). Collection method: clinical testing. Allele origin: germline.
Comment: This sequence change creates a premature translational stop signal (p.Gln259*) in the CCND2 gene. While this is not anticipated to result in nonsense mediated decay, it is expected to disrupt the last 31 amino acid(s) of the CCND2 protein. This variant is not present in population databases (gnomAD no frequency). This variant has not been reported in the literature in individuals affected with CCND2-related conditions. Experimental studies and prediction algorithms are not available or were not evaluated, and the functional significance of this variant is currently unknown. In summary, the available evidence is currently insufficient to determine the role of this variant in disease. Therefore, it has been classified as a Variant of Uncertain Significance.